The following is an entry in ClinVar:

ClinVar aggregate classification (germline): Uncertain significance (1 of 4 stars; one submission).

Submission:

Labcorp Genetics (formerly Invitae), Labcorp
Classification: Uncertain significance. Last evaluated: 2025-07-13. Review status: criteria provided, single submitter. Criteria: Invitae Variant Classification Sherloc (09022015). Collection method: clinical testing. Allele origin: germline.
Comment: This sequence change replaces arginine, which is basic and polar, with glycine, which is neutral and non-polar, at codon 151 of the DLL1 protein (p.Arg151Gly). This variant is not present in population databases (gnomAD no frequency). This variant has not been reported in the literature in individuals affected with DLL1-related conditions. An algorithm developed to predict the effect of missense changes on protein structure and function (PolyPhen-2) suggests that this variant is likely to be tolerated. In summary, the available evidence is currently insufficient to determine the role of this variant in disease. Therefore, it has been classified as a Variant of Uncertain Significance.

NM_005618.4(DLL1):c.451A>G (p.Arg151Gly)

Gene: DLL1 (delta like canonical Notch ligand 1; minus strand). Cytogenetic location: 6q27.
Variant type: single nucleotide variant.
Coding change: c.451A>G on transcript NM_005618.4 (MANE Select); coding-DNA position 451, A replaced by G.
Protein change: p.Arg151Gly; replaces arginine 151 with glycine.
Molecular consequence: missense variant.
Genome position (GRCh38, 1-based): chr6:170,288,458, T>C on the plus strand (A>G on the coding strand, the complement: DLL1 is on the minus strand). VCF-style: chr6-170288458-T-C. GRCh37 (hg19) VCF-style: chr6-170597546-T-C.
Other names: short protein forms R151G.
Identifiers: ClinVar variation 4723115 (VCV004723115.1).